The following is an entry in ClinVar:

NM_001130009.3(GEN1):c.1916A>C (p.Tyr639Ser)

Gene: GEN1 (GEN1 Holliday junction 5' flap endonuclease; plus strand). Cytogenetic location: 2p24.2.
Variant type: single nucleotide variant.
Coding change: c.1916A>C on transcript NM_001130009.3 (MANE Select); coding-DNA position 1916, A replaced by C.
Protein change: p.Tyr639Ser; replaces tyrosine 639 with serine.
Molecular consequence: missense variant.
Genome position (GRCh38, 1-based): chr2:17,781,128, A>C. VCF-style: chr2-17781128-A-C. GRCh37 (hg19) VCF-style: chr2-17962395-A-C.
Other names: c.1916A>C, p.Tyr639Ser (NM_182625.5); short protein forms Y639S.
Identifiers: ClinVar variation 4029266 (VCV004029266.1).

ClinVar aggregate classification (germline): Uncertain significance (1 of 4 stars; one submission).

gnomAD v4.1: 9 of 1,613,978 alleles (0.00056%); highest among the groups gnomAD compares: Non-Finnish European, 0.00076%; no homozygotes.

Submission:

Ambry Genetics
Classification: Uncertain significance. Last evaluated: 2025-05-02. Review status: criteria provided, single submitter. Criteria: Ambry Variant Classification Scheme 2023. Collection method: clinical testing. Allele origin: germline.
Comment: The p.Y639S variant (also known as c.1916A>C), located in coding exon 13 of the GEN1 gene, results from an A to C substitution at nucleotide position 1916. The tyrosine at codon 639 is replaced by serine, an amino acid with dissimilar properties. This amino acid position is conserved. In addition, this alteration is predicted to be tolerated by in silico analysis. Based on the available evidence, the clinical significance of this variant remains unclear.